The following is an entry in ClinVar:

NM_014679.5(CEP57):c.746C>T (p.Ala249Val)

Gene: CEP57 (centrosomal protein 57; plus strand). Cytogenetic location: 11q21.
Variant type: single nucleotide variant.
Coding change: c.746C>T on transcript NM_014679.5 (MANE Select); coding-DNA position 746, C replaced by T.
Protein change: p.Ala249Val; replaces alanine 249 with valine.
Molecular consequence: missense variant.
Genome position (GRCh38, 1-based): chr11:95,821,917, C>T. VCF-style: chr11-95821917-C-T. GRCh37 (hg19) VCF-style: chr11-95555081-C-T.
Other names: c.719C>T, p.Ala240Val (NM_001243776.2); c.746C>T, p.Ala249Val (NM_001243777.2); c.665C>T, p.Ala222Val (NM_001363604.2); short protein forms A222V, A249V, A240V.
Identifiers: ClinVar variation 862343 (VCV000862343.8), dbSNP rs1862532841, ClinGen allele CA382405173.

ClinVar aggregate classification (germline): Uncertain significance (1 of 4 stars; one submission).

Conditions:
Mosaic variegated aneuploidy syndrome 2 (MVA2). Identifiers: Orphanet 1052, MedGen C3279843, MONDO:0013582, OMIM 614114.

Allele frequency attached by ClinVar (database versions not stated): gnomAD exomes below 0.00001.
gnomAD v4.1: 1 of 1,612,614 alleles (0.000062%); highest among the groups gnomAD compares: African/African-American, 0.0013%; no homozygotes.

Submission:

Labcorp Genetics (formerly Invitae), Labcorp
Classification: Uncertain significance for Mosaic variegated aneuploidy syndrome 2. Last evaluated: 2019-12-03. Review status: criteria provided, single submitter. Criteria: Invitae Variant Classification Sherloc (09022015). Collection method: clinical testing. Allele origin: germline.
Comment: This sequence change replaces alanine with valine at codon 249 of the CEP57 protein (p.Ala249Val). The alanine residue is moderately conserved and there is a small physicochemical difference between alanine and valine. This variant is not present in population databases (ExAC no frequency). This variant has not been reported in the literature in individuals with CEP57-related conditions. Algorithms developed to predict the effect of missense changes on protein structure and function (SIFT, PolyPhen-2, Align-GVGD) all suggest that this variant is likely to be tolerated, but these predictions have not been confirmed by published functional studies and their clinical significance is uncertain. Algorithms developed to predict the effect of sequence changes on RNA splicing suggest that this variant may create or strengthen a splice site, but this prediction has not been confirmed by published transcriptional studies. In summary, the available evidence is currently insufficient to determine the role of this variant in disease. Therefore, it has been classified as a Variant of Uncertain Significance.